The following is an entry in ClinVar:

NM_003924.4(PHOX2B):c.659C>A (p.Pro220Gln)

Gene: PHOX2B (paired like homeobox 2B; minus strand). Cytogenetic location: 4p13.
Variant type: single nucleotide variant.
Coding change: c.659C>A on transcript NM_003924.4 (MANE Select); coding-DNA position 659, C replaced by A.
Protein change: p.Pro220Gln; replaces proline 220 with glutamine.
Molecular consequence: missense variant.
Genome position (GRCh38, 1-based): chr4:41,746,093, G>T on the plus strand (C>A on the coding strand, the complement: PHOX2B is on the minus strand). VCF-style: chr4-41746093-G-T. GRCh37 (hg19) VCF-style: chr4-41748110-G-T.
Other names: short protein forms P220Q.
Identifiers: ClinVar variation 1754391 (VCV001754391.3), dbSNP rs1733887201, ClinGen allele CA356737474.
Genomic context (GRCh38, chr4:41,746,093, plus strand): 5'-CCGCCCTTGCCGGGTTCGCCTCCCGGGCCCCCGGGCCCCGCCGCCCCCGGAGCTCCAGCC[G>T]GGCTGGGCCCGCCGCCGCCGCCTCCATTCGCCCCGCAGCTGGGGGTGGGGTTGGGATTGG-3'
Protein context (NP_003915.2, residues 210-230): ANGGGGGGPS[Pro220Gln]AGAPGAAGPG

ClinVar aggregate classification (germline): Uncertain significance (1 of 4 stars; one submission).

Conditions:
Hereditary cancer-predisposing syndrome. Also called: Neoplastic Syndromes, Hereditary; Tumor predisposition; Hereditary Cancer Syndrome; Hereditary neoplastic syndrome. Identifiers: Orphanet 140162, MedGen C0027672, MeSH D009386, MONDO:0015356.

Submission:

Ambry Genetics
Classification: Uncertain significance for Hereditary cancer-predisposing syndrome. Last evaluated: 2025-09-26. Review status: criteria provided, single submitter. Criteria: Ambry Variant Classification Scheme 2023. Collection method: clinical testing. Allele origin: germline.
Comment: The p.P220Q variant (also known as c.659C>A), located in coding exon 3 of the PHOX2B gene, results from a C to A substitution at nucleotide position 659. The proline at codon 220 is replaced by glutamine, an amino acid with similar properties. This amino acid position is well conserved in available vertebrate species. In addition, this alteration is predicted to be tolerated by in silico analysis. Since supporting evidence is limited at this time, the clinical significance of this alteration remains unclear.